The following is an entry in ClinVar:

ClinVar aggregate classification (germline): Uncertain significance (1 of 4 stars; one submission).

Conditions:
Hereditary cancer-predisposing syndrome. Also called: Neoplastic Syndromes, Hereditary; Tumor predisposition; Hereditary neoplastic syndrome; Hereditary Cancer Syndrome. Identifiers: Orphanet 140162, MedGen C0027672, MeSH D009386, MONDO:0015356.

Submission:

Ambry Genetics
Classification: Uncertain significance for Hereditary cancer-predisposing syndrome. Last evaluated: 2024-01-26. Review status: criteria provided, single submitter. Criteria: Ambry Variant Classification Scheme 2023. Collection method: clinical testing. Allele origin: germline.
Comment: The p.D673H variant (also known as c.2017G>C), located in coding exon 11 of the BARD1 gene, results from a G to C substitution at nucleotide position 2017. The aspartic acid at codon 673 is replaced by histidine, an amino acid with similar properties. This amino acid position is highly conserved in available vertebrate species. In addition, the in silico prediction for this alteration is inconclusive. Based on the available evidence, the clinical significance of this alteration remains unclear.

NM_000465.4(BARD1):c.2017G>C (p.Asp673His)

Gene: BARD1 (BRCA1 associated RING domain 1; minus strand). Cytogenetic location: 2q35.
Variant type: single nucleotide variant.
Coding change: c.2017G>C on transcript NM_000465.4 (MANE Select); coding-DNA position 2017, G replaced by C.
Protein change: p.Asp673His; replaces aspartic acid 673 with histidine.
Molecular consequence: missense variant. On other transcripts: non-coding transcript variant (3).
Genome position (GRCh38, 1-based): chr2:214,728,993, C>G on the plus strand (G>C on the coding strand, the complement: BARD1 is on the minus strand). VCF-style: chr2-214728993-C-G. GRCh37 (hg19) VCF-style: chr2-215593717-C-G.
Other names: c.1960G>C, p.Asp654His (NM_001282543.2); c.664G>C, p.Asp222His (NM_001282545.2); c.607G>C, p.Asp203His (NM_001282548.2); c.478G>C, p.Asp160His (NM_001282549.2); short protein forms D160H, D203H, D222H, D654H, D673H.
Identifiers: ClinVar variation 3231784 (VCV003231784.1), dbSNP rs1553612232, ClinGen allele CA350450800.
Genomic context (GRCh38, chr2:214,728,993, plus strand): 5'-TAATAAGGTTGTCCTTTGGATGGTGTTTGAAGGTTCCCCACAAATAGAAGTAGCATCCAT[C>G]AAACAGCTTTGGCAACTGAAATAATGAGAAAACATTTGTTAAAGGCAGATCAAAATACTG-3'
Protein context (NP_000456.2, residues 663-683): NREQLLPKLF[Asp673His]GCYFYLWGTF